The following is an entry in ClinVar:

ClinVar aggregate classification (germline): Uncertain significance (1 of 4 stars; one submission).

Conditions:
X-linked lymphoproliferative disease due to XIAP deficiency. Also called: XIAP-Related Lymphoproliferative Disease, X-Linked; XIAP DEFICIENCY. Identifiers: Orphanet 2442, Orphanet 538934, MedGen C1845076, MONDO:0010385, OMIM 300635.

Submissions (2):

Johns Hopkins Genomics, Johns Hopkins University
Classification: Uncertain significance for X-linked lymphoproliferative disease due to XIAP deficiency. Last evaluated: 2021-06-28. Review status: criteria provided, single submitter. Criteria: ACMG Guidelines, 2015. Collection method: clinical testing. Allele origin: germline.
Comment: XIAP c.581T>A is absent from a large population dataset and has not been reported in ClinVar nor the literature, to our knowledge. This variant affects an amino acid residue in the XIAP BIR2 domain, where other disease-associated missense variants are located. Of three bioinformatics tools queried, one predicts that the substitution would be damaging, while two predict that it would be tolerated. The isoleucine residue at this position is evolutionarily conserved across most mammalian species assessed. We consider the clinical significance of XIAP c.581T>A to be uncertain at this time.

Dr. Peter K. Rogan Lab, Western University
No classification provided (evidence only). Condition: Thyroid cancer, nonmedullary, 1. Review status: no classification provided. Collection method: in vitro. Allele origin: not applicable. Functional consequence: retained intron. Not counted in ClinVar's aggregate classification.

Literature cited by the submitters: PubMed 23818254 (cited by Johns Hopkins Genomics, Johns Hopkins University); PubMed 25666262 (cited by Johns Hopkins Genomics, Johns Hopkins University).

NM_001167.4(XIAP):c.581T>A (p.Ile194Asn)

Gene: XIAP (X-linked inhibitor of apoptosis; plus strand). Cytogenetic location: Xq25.
Variant type: single nucleotide variant.
Coding change: c.581T>A on transcript NM_001167.4 (MANE Select); coding-DNA position 581, T replaced by A.
Protein change: p.Ile194Asn; replaces isoleucine 194 with asparagine.
Molecular consequence: missense variant.
Genome position (GRCh38, 1-based): chrX:123,886,243, T>A. VCF-style: chrX-123886243-T-A. GRCh37 (hg19) VCF-style: chrX-123020093-T-A.
Other names: NC_000023.10:g.123020093T>A; c.581T>A, p.Ile194Asn (NM_001204401.2, NM_001378590.1, NM_001378591.1 and 1 more transcripts); short protein forms I194N.
Identifiers: ClinVar variation 1185029 (VCV001185029.2), dbSNP rs2148089918, ClinGen allele CA414123992.